The following is an entry in ClinVar:

ClinVar aggregate classification (germline): Likely benign (0 of 4 stars; one submission).

Conditions:
HTR2C-related disorder. Also called: HTR2C-related condition.

gnomAD v4.1: 9 of 1,203,631 alleles (0.00075%); highest among the groups gnomAD compares: Admixed American, 0.02%; no homozygotes.

Submission:

PreventionGenetics, part of Exact Sciences
Classification: Likely benign for HTR2C-related condition. Last evaluated: 2022-11-21. Review status: no assertion criteria provided. Collection method: clinical testing. Allele origin: germline.
Comment: This variant is classified as likely benign based on ACMG/AMP sequence variant interpretation guidelines (Richards et al. 2015 PMID: 25741868, with internal and published modifications).

NM_000868.4(HTR2C):c.234A>T (p.Val78=)

Gene: HTR2C (5-hydroxytryptamine receptor 2C; plus strand). Cytogenetic location: Xq23.
Variant type: single nucleotide variant.
Coding change: c.234A>T on transcript NM_000868.4 (MANE Select); coding-DNA position 234, A replaced by T.
Protein change: p.Val78=; no amino-acid change (valine 78 retained).
Molecular consequence: synonymous variant.
Genome position (GRCh38, 1-based): chrX:114,731,492, A>T. VCF-style: chrX-114731492-A-T. GRCh37 (hg19) VCF-style: chrX-113965901-A-T.
Other names: c.234A>T, p.Val78= (NM_001256760.3, NM_001256761.3).
Identifiers: ClinVar variation 3351340 (VCV003351340.1).
Genomic context (GRCh38, chrX:114,731,492, plus strand): 5'-TTCAATCGTCATCATAATAATCATGACAATAGGTGGCAACATCCTTGTGATCATGGCAGT[A>T]AGCATGGAAAAGAAACTGCACAATGCCACCAATTACTTCTTAATGTCCCTAGCCATTGCT-3'
Protein context (NP_000859.2, residues 68-88): IGGNILVIMA[Val78=]SMEKKLHNAT